The following is an entry in ClinVar:

NM_000038.6(APC):c.6203T>A (p.Met2068Lys)

Gene: APC (APC regulator of Wnt signaling pathway; plus strand). Cytogenetic location: 5q22.2.
Variant type: single nucleotide variant.
Coding change: c.6203T>A on transcript NM_000038.6 (MANE Select); coding-DNA position 6203, T replaced by A.
Protein change: p.Met2068Lys; replaces methionine 2068 with lysine.
Molecular consequence: missense variant.
Genome position (GRCh38, 1-based): chr5:112,841,797, T>A. VCF-style: chr5-112841797-T-A. GRCh37 (hg19) VCF-style: chr5-112177494-T-A.
Other names: c.6203T>A, p.Met2068Lys (NM_001127510.3, NM_001354895.2); c.6149T>A, p.Met2050Lys (NM_001127511.3); c.6257T>A, p.Met2086Lys (NM_001354896.2); c.6233T>A, p.Met2078Lys (NM_001354897.2); c.6128T>A, p.Met2043Lys (NM_001354898.2); c.6119T>A, p.Met2040Lys (NM_001354899.2); c.6080T>A, p.Met2027Lys (NM_001354900.2); c.6026T>A, p.Met2009Lys (NM_001354901.2); and 6 more; short protein forms M1908K, M1967K, M2086K, M1942K, M1977K, M2009K, M2043K, M2050K.
Identifiers: ClinVar variation 1413909 (VCV001413909.9), dbSNP rs863224547, ClinGen allele CA16034919.

ClinVar aggregate classification (germline): Uncertain significance. Review status: criteria provided, multiple submitters, no conflicts (2 of 4 stars). 2 submissions from 2 submitters: Uncertain significance (2). Last evaluated 2026-07-02.

Conditions:
Hereditary cancer-predisposing syndrome. Also called: Hereditary Cancer Syndrome; Neoplastic Syndromes, Hereditary; Hereditary neoplastic syndrome; Tumor predisposition. Identifiers: Orphanet 140162, MedGen C0027672, MeSH D009386, MONDO:0015356.
Familial adenomatous polyposis 1 (FAP1). Also called: FAMILIAL ADENOMATOUS POLYPOSIS 1, ATTENUATED; POLYPOSIS, ADENOMATOUS INTESTINAL. Identifiers: MedGen C2713442, MONDO:0021056, OMIM 175100. Disease mechanism: loss of function.

Submissions (2):

Ambry Genetics
Classification: Uncertain significance for Hereditary cancer-predisposing syndrome. Last evaluated: 2026-07-02. Review status: criteria provided, single submitter. Criteria: Ambry Variant Classification Scheme 2023. Collection method: clinical testing. Allele origin: germline.
Comment: The p.M2068K variant (also known as c.6203T>A), located in coding exon 15 of the APC gene, results from a T to A substitution at nucleotide position 6203. The methionine at codon 2068 is replaced by lysine, an amino acid with similar properties. This amino acid position is conserved. In addition, in silico predictors for this gene do not accurately predict pathogenicity. Based on the available evidence, the clinical significance of this variant remains unclear.

Labcorp Genetics (formerly Invitae), Labcorp
Classification: Uncertain significance for Familial adenomatous polyposis 1. Last evaluated: 2021-03-11. Review status: criteria provided, single submitter. Criteria: Invitae Variant Classification Sherloc (09022015). Collection method: clinical testing. Allele origin: germline.
Comment: This sequence change replaces methionine with lysine at codon 2068 of the APC protein (p.Met2068Lys). The methionine residue is moderately conserved and there is a moderate physicochemical difference between methionine and lysine. This variant is not present in population databases (ExAC no frequency). This variant has not been reported in the literature in individuals with APC-related conditions. Algorithms developed to predict the effect of missense changes on protein structure and function are either unavailable or do not agree on the potential impact of this missense change (SIFT: "Deleterious"; PolyPhen-2: "Benign"; Align-GVGD: "Class C0"). In summary, the available evidence is currently insufficient to determine the role of this variant in disease. Therefore, it has been classified as a Variant of Uncertain Significance.